The following is an entry in ClinVar:

ClinVar aggregate classification (germline): Uncertain significance (1 of 4 stars; one submission).

Conditions:
Hereditary cancer-predisposing syndrome. Also called: Tumor predisposition; Hereditary neoplastic syndrome; Neoplastic Syndromes, Hereditary; Hereditary Cancer Syndrome. Identifiers: Orphanet 140162, MedGen C0027672, MeSH D009386, MONDO:0015356.

Submission:

Labcorp Genetics (formerly Invitae), Labcorp
Classification: Uncertain significance for Hereditary cancer-predisposing syndrome. Last evaluated: 2021-01-07. Review status: criteria provided, single submitter. Criteria: Invitae Variant Classification Sherloc (09022015). Collection method: clinical testing. Allele origin: germline.
Comment: In summary, the available evidence is currently insufficient to determine the role of this variant in disease. Therefore, it has been classified as a Variant of Uncertain Significance. Algorithms developed to predict the effect of missense changes on protein structure and function are either unavailable or do not agree on the potential impact of this missense change (SIFT: "Deleterious"; PolyPhen-2: "Possibly Damaging"; Align-GVGD: "Class C0"). This variant has not been reported in the literature in individuals with RAD50-related conditions. This variant is not present in population databases (ExAC no frequency). This sequence change replaces leucine with proline at codon 1265 of the RAD50 protein (p.Leu1265Pro). The leucine residue is moderately conserved and there is a moderate physicochemical difference between leucine and proline.

NM_005732.4(RAD50):c.3794T>C (p.Leu1265Pro)

Genes: RAD50 (RAD50 double strand break repair protein; plus strand), TH2LCRR (T helper type 2 locus control region associated RNA; minus strand). Cytogenetic location: 5q31.1.
Variant type: single nucleotide variant.
Coding change: c.3794T>C on transcript NM_005732.4 (MANE Select); coding-DNA position 3794, T replaced by C.
Protein change: p.Leu1265Pro; replaces leucine 1265 with proline.
Molecular consequence: missense variant. On other transcripts: non-coding transcript variant (1).
Genome position (GRCh38, 1-based): chr5:132,642,219, T>C. VCF-style: chr5-132642219-T-C. GRCh37 (hg19) VCF-style: chr5-131977911-T-C.
Other names: short protein forms L1265P.
Identifiers: ClinVar variation 1359735 (VCV001359735.8), dbSNP rs2149866892, ClinGen allele CA360935847.